The following is an entry in ClinVar:

ClinVar aggregate classification (germline): Uncertain significance. Review status: criteria provided, multiple submitters, no conflicts (2 of 4 stars). 2 submissions from 2 submitters: Uncertain significance (2). Last evaluated 2023-08-17.

Conditions:
Hereditary pancreatitis (PCTT). Also called: PRSS1-Related Hereditary Pancreatitis; Hereditary chronic pancreatitis. Identifiers: Orphanet 676, MedGen C0238339, MONDO:0008185, OMIM 167800.

Allele frequency attached by ClinVar (database versions not stated): gnomAD 0.00001.

Submissions (2):

Labcorp Genetics (formerly Invitae), Labcorp
Classification: Uncertain significance for Hereditary pancreatitis. Last evaluated: 2023-08-17. Review status: criteria provided, single submitter. Criteria: Invitae Variant Classification Sherloc (09022015). Collection method: clinical testing. Allele origin: germline.
Comment: This sequence change replaces asparagine, which is neutral and polar, with lysine, which is basic and polar, at codon 29 of the PRSS1 protein (p.Asn29Lys). The frequency data for this variant in the population databases is considered unreliable, as metrics indicate poor data quality at this position in the gnomAD database. This variant has not been reported in the literature in individuals affected with PRSS1-related conditions. ClinVar contains an entry for this variant (Variation ID: 651036). Advanced modeling of protein sequence and biophysical properties (such as structural, functional, and spatial information, amino acid conservation, physicochemical variation, residue mobility, and thermodynamic stability) performed at Invitae indicates that this missense variant is not expected to disrupt PRSS1 protein function. This variant disrupts the p.Asn29 amino acid residue in PRSS1. Other variant(s) that disrupt this residue have been determined to be pathogenic (PMID: 11788572, 18755888, 19453252, 22539344, 26376395). This suggests that this residue is clinically significant, and that variants that disrupt this residue are likely to be disease-causing. In summary, the available evidence is currently insufficient to determine the role of this variant in disease. Therefore, it has been classified as a Variant of Uncertain Significance.

Ambry Genetics
Classification: Uncertain significance for Hereditary pancreatitis. Last evaluated: 2023-06-15. Review status: criteria provided, single submitter. Criteria: Ambry Variant Classification Scheme 2023. Collection method: clinical testing. Allele origin: germline.
Comment: The p.N29K variant (also known as c.87C>G), located in coding exon 2 of the PRSS1 gene, results from a C to G substitution at nucleotide position 87. The asparagine at codon 29 is replaced by lysine, an amino acid with similar properties. This amino acid position is not well conserved in available vertebrate species. In addition, this alteration is predicted to be tolerated by in silico analysis. Since supporting evidence is limited at this time, the clinical significance of this alteration remains unclear.

Literature cited by the submitters: PubMed 11788572 (cited by Labcorp Genetics (formerly Invitae), Labcorp); PubMed 18755888 (cited by Labcorp Genetics (formerly Invitae), Labcorp); PubMed 19453252 (cited by Labcorp Genetics (formerly Invitae), Labcorp); PubMed 22539344 (cited by Labcorp Genetics (formerly Invitae), Labcorp); PubMed 26376395 (cited by Labcorp Genetics (formerly Invitae), Labcorp).

NM_002769.5(PRSS1):c.87C>G (p.Asn29Lys)

Genes: PRSS1 (serine protease 1; plus strand), TRB (T cell receptor beta locus; plus strand). Cytogenetic location: 7q34.
Variant type: single nucleotide variant.
Coding change: c.87C>G on transcript NM_002769.5 (MANE Select); coding-DNA position 87, C replaced by G.
Protein change: p.Asn29Lys; replaces asparagine 29 with lysine.
Molecular consequence: missense variant.
Genome position (GRCh38, 1-based): chr7:142,750,601, C>G. VCF-style: chr7-142750601-C-G. GRCh37 (hg19) VCF-style: chr7-142458452-C-G.
Other names: short protein forms N29K.
Identifiers: ClinVar variation 651036 (VCV000651036.10), dbSNP rs747010881, ClinGen allele CA4529674.
Genomic context (GRCh38, chr7:142,750,601, plus strand): 5'-CATCTCCACTCCAGTTGCTGCCCCCTTTGATGATGATGACAAGATCGTTGGGGGCTACAA[C>G]TGTGAGGAGAATTCTGTCCCCTACCAGGTGTCCCTGAATTCTGGCTACCACTTCTGTGGT-3'
Protein context (NP_002760.1, residues 19-39): DDDDKIVGGY[Asn29Lys]CEENSVPYQV